The following is an entry in ClinVar:

NM_000038.6(APC):c.4906dup (p.Asp1636fs)

Gene: APC (APC regulator of Wnt signaling pathway; plus strand). Cytogenetic location: 5q22.2.
Variant type: Duplication.
Coding change: c.4906dup on transcript NM_000038.6 (MANE Select); coding-DNA position 4906, one base duplicated (G; older notation c.4906dupG).
Protein change: p.Asp1636fs; shifts the reading frame from aspartic acid 1636.
Molecular consequence: frameshift variant.
Genome position (GRCh38, 1-based): chr5:112,840,500, G duplicated; the last of 5 consecutive G bases (chr5:112,840,496-112,840,500); duplicating any one gives the same sequence. VCF-style (leftmost placement, unchanged base first): chr5-112840495-C-CG. GRCh37 (hg19) VCF-style: chr5-112176192-C-CG.
Other names: c.4906dup, p.Asp1636fs (NM_001127510.3, NM_001354895.2); c.4852dup, p.Asp1618fs (NM_001127511.3); c.4960dup, p.Asp1654fs (NM_001354896.2); c.4936dup, p.Asp1646fs (NM_001354897.2); c.4831dup, p.Asp1611fs (NM_001354898.2); c.4822dup, p.Asp1608fs (NM_001354899.2); c.4783dup, p.Asp1595fs (NM_001354900.2); c.4729dup, p.Asp1577fs (NM_001354901.2); and 6 more; short protein forms D1353fs, D1608fs, D1618fs, D1654fs, D1510fs, D1545fs, D1577fs, D1636fs.
Identifiers: ClinVar variation 469982 (VCV000469982.10), dbSNP rs1554086285, ClinGen allele CA658655955.
Genomic context (GRCh38, chr5:112,840,495, plus strand): 5'-TGTACAAACTTCTACCATCACAAAACAGGTTGCAACCCCAAAAGCATGTTAGTTTTACAC[C>CG]GGGGGATGATATGCCACGGGTGTATTGTGTTGAAGGGACACCTATAAACTTTTCCACAGC-3'

ClinVar aggregate classification (germline): Pathogenic (1 of 4 stars; one submission).

Conditions:
Familial adenomatous polyposis 1 (FAP1). Also called: POLYPOSIS, ADENOMATOUS INTESTINAL; FAMILIAL ADENOMATOUS POLYPOSIS 1, ATTENUATED. Identifiers: MedGen C2713442, MONDO:0021056, OMIM 175100. Disease mechanism: loss of function.

Submission:

Labcorp Genetics (formerly Invitae), Labcorp
Classification: Pathogenic for Familial adenomatous polyposis 1. Last evaluated: 2025-08-05. Review status: criteria provided, single submitter. Criteria: Invitae Variant Classification Sherloc (09022015). Collection method: clinical testing. Allele origin: germline.
Comment: This sequence change creates a premature translational stop signal (p.Asp1636Glyfs*2) in the APC gene. While this is not anticipated to result in nonsense mediated decay, it is expected to disrupt the last 1208 amino acid(s) of the APC protein. This variant is not present in population databases (gnomAD no frequency). This variant has not been reported in the literature in individuals affected with APC-related conditions. ClinVar contains an entry for this variant (Variation ID: 469982). This variant is expected to disrupt the EB1 and HDLG binding sites, which mediate interactions with the cytoskeleton (PMID: 15311282, 17293347). While functional studies have not been performed to directly test the effect on APC protein function, this suggests that disruption of the C-terminal portion of the protein is functionally important. A different truncation (p.Tyr2645Lysfs*14) that lies downstream of this variant has been determined to be pathogenic (PMID: 9824584, 1316610, 27081525, 8381579, 22135120, internal data). This suggests that deletion of this region of the APC protein is causative of disease. For these reasons, this variant has been classified as Pathogenic.

Literature cited by the submitters: PubMed 15311282; PubMed 17293347; PubMed 9824584; PubMed 1316610; PubMed 27081525; PubMed 8381579; PubMed 22135120.